The following is an entry in ClinVar:

ClinVar aggregate classification (germline): Uncertain significance (1 of 4 stars; one submission).

gnomAD v4.1: 1 of 1,614,086 alleles (0.000062%); highest among the groups gnomAD compares: African/African-American, 0.0013%; no homozygotes.

Submission:

GeneDx
Classification: Uncertain significance. Last evaluated: 2026-07-23. Review status: criteria provided, single submitter. Criteria: GeneDx Variant Classification Process June 2021. Collection method: clinical testing. Allele origin: germline.
Comment: In silico analysis supports that this missense variant has a deleterious effect on protein structure/function; Has not been previously published as pathogenic or benign to our knowledge

NM_001378414.1(HDAC4):c.1042T>C (p.Ser348Pro)

Gene: HDAC4 (histone deacetylase 4; minus strand). Cytogenetic location: 2q37.3.
Variant type: single nucleotide variant.
Coding change: c.1042T>C on transcript NM_001378414.1 (MANE Select); coding-DNA position 1042, T replaced by C.
Protein change: p.Ser348Pro; replaces serine 348 with proline.
Molecular consequence: missense variant.
Genome position (GRCh38, 1-based): chr2:239,134,580, A>G on the plus strand (T>C on the coding strand, the complement: HDAC4 is on the minus strand). VCF-style: chr2-239134580-A-G. GRCh37 (hg19) VCF-style: chr2-240056276-A-G.
Other names: c.1042T>C, p.Ser348Pro (NM_001378415.1, NM_001378416.1, NM_001378417.1 and 1 more transcripts); short protein forms S348P.
Identifiers: ClinVar variation 3370656 (VCV003370656.2).
Genomic context (GRCh38, chr2:239,134,580, plus strand): 5'-GACTTACCGCAGAGGGGCCGGTGGCAGGCAGGCCCAGCGTGATGTTGGGCAAGGATGGCG[A>G]TGTGTAGAGGGGAAGTGGAGCGGCCGAGCCTTCTCGTGCCACAAGTCTGTGCGCCAAACT-3'
Protein context (NP_001365343.1, residues 338-358): GSAAPLPLYT[Ser348Pro]PSLPNITLGL